The following is an entry in ClinVar:

ClinVar aggregate classification (germline): Likely benign. Review status: criteria provided, multiple submitters, no conflicts (2 of 4 stars). 2 submissions from 2 submitters: Likely benign (2). Last evaluated 2025-11-11.

Conditions:
LTBP3-related disorder. Also called: LTBP3-related condition.
Inborn genetic diseases. Identifiers: MedGen C0950123, MeSH D030342.

Allele frequency attached by ClinVar (database versions not stated): gnomAD exomes below 0.00001.
gnomAD v4.1: 1 of 1,613,690 alleles (0.000062%); highest among the groups gnomAD compares: Non-Finnish European, 0.000085%; no homozygotes.

Submissions (2):

PreventionGenetics, part of Exact Sciences
Classification: Likely benign for LTBP3-related condition. Last evaluated: 2025-11-11. Review status: criteria provided, single submitter. Criteria: ACMG Guidelines, 2015. Collection method: clinical testing. Allele origin: germline.
Comment: This variant is classified as likely benign based on ACMG/AMP sequence variant interpretation guidelines (Richards et al. 2015 PMID: 25741868, with internal and published modifications).

Ambry Genetics
Classification: Likely benign for Inborn genetic diseases. Last evaluated: 2024-03-13. Review status: criteria provided, single submitter. Criteria: Ambry Variant Classification Scheme 2023. Collection method: clinical testing. Allele origin: germline.

NM_001130144.3(LTBP3):c.3094C>T (p.Leu1032=)

Genes: LTBP3 (latent transforming growth factor beta binding protein 3; minus strand), LOC121832793 (Sharpr-MPRA regulatory region 4001; plus strand). Cytogenetic location: 11q13.1.
Variant type: single nucleotide variant.
Coding change: c.3094C>T on transcript NM_001130144.3 (MANE Select); coding-DNA position 3094, C replaced by T.
Protein change: p.Leu1032=; no amino-acid change (leucine 1032 retained).
Molecular consequence: synonymous variant.
Genome position (GRCh38, 1-based): chr11:65,540,498, G>A on the plus strand (C>T on the coding strand, the complement: LTBP3 is on the minus strand). VCF-style: chr11-65540498-G-A. GRCh37 (hg19) VCF-style: chr11-65307969-G-A.
Other names: c.2743C>T, p.Leu915= (NM_001164266.1); c.3094C>T, p.Leu1032= (NM_021070.4).
Identifiers: ClinVar variation 3233167 (VCV003233167.2), dbSNP rs2496123669, ClinGen allele CA475180181.